The following is an entry in ClinVar:

NM_001365536.1(SCN9A):c.3802-6_3802-5del

Genes: SCN1A-AS1 (SCN1A and SCN9A antisense RNA 1; plus strand), SCN9A (sodium voltage-gated channel alpha subunit 9; minus strand). Cytogenetic location: 2q24.3.
Variant type: Deletion.
Coding change: c.3802-6_3802-5del on transcript NM_001365536.1 (MANE Select); 6 bases into the intron before coding-DNA position 3802 through 5 bases into the intron before coding-DNA position 3802, 2 bases deleted (TT; older notation c.3802-6_3802-5delTT).
Molecular consequence: intron variant.
Genome position (GRCh38, 1-based): chr2:166,233,467-166,233,468, AA deleted on the plus strand (TT on the coding strand, the reverse complement: SCN9A is on the minus strand); deleting any 2 consecutive bases within chr2:166,233,467-166,233,471 gives the same sequence; the c. name uses the placement nearest the transcript's 3' end. VCF-style (leftmost placement, unchanged base first): chr2-166233466-TAA-T. GRCh37 (hg19) VCF-style: chr2-167089976-TAA-T.
Other names: c.3769-6_3769-5delTT (NM_002977.3); c.3769-6_3769-5del (NM_002977.4).
Identifiers: ClinVar variation 1734731 (VCV001734731.5), dbSNP rs1245902208, ClinGen allele CA760187421.

ClinVar aggregate classification (germline): Uncertain significance. Review status: criteria provided, multiple submitters, no conflicts (2 of 4 stars). 2 submissions from 2 submitters: Uncertain significance (2). Last evaluated 2023-10-18.

Conditions:
Neuropathy, hereditary sensory and autonomic, type 2A (HSAN2A). Also called: ACROOSTEOLYSIS, GIACCAI TYPE; ACROOSTEOLYSIS, NEUROGENIC; MORVAN DISEASE; NEUROPATHY, CONGENITAL SENSORY; NEUROPATHY, HEREDITARY SENSORY RADICULAR, AUTOSOMAL RECESSIVE; NEUROPATHY, HEREDITARY SENSORY, TYPE IIA. Identifiers: Orphanet 970, MedGen C2752089, MONDO:0024309, OMIM 201300.
Generalized epilepsy with febrile seizures plus, type 7 (GEFSP7). Also called: GEFS+, TYPE 7. Identifiers: Orphanet 36387, MedGen C2751778, MONDO:0013470, OMIM 613863.
Inborn genetic diseases. Identifiers: MedGen C0950123, MeSH D030342.

Submissions (2):

Labcorp Genetics (formerly Invitae), Labcorp
Classification: Uncertain significance for Neuropathy, hereditary sensory and autonomic, type 2A; Generalized epilepsy with febrile seizures plus, type 7. Last evaluated: 2023-10-18. Review status: criteria provided, single submitter. Criteria: Invitae Variant Classification Sherloc (09022015). Collection method: clinical testing. Allele origin: germline.
Comment: This sequence change falls in intron 20 of the SCN9A gene. It does not directly change the encoded amino acid sequence of the SCN9A protein. This variant is not present in population databases (gnomAD no frequency). This variant has not been reported in the literature in individuals affected with SCN9A-related conditions. ClinVar contains an entry for this variant (Variation ID: 1734731). Algorithms developed to predict the effect of sequence changes on RNA splicing suggest that this variant may disrupt the consensus splice site. In summary, the available evidence is currently insufficient to determine the role of this variant in disease. Therefore, it has been classified as a Variant of Uncertain Significance.

Ambry Genetics
Classification: Uncertain significance for Inborn genetic diseases. Last evaluated: 2021-02-19. Review status: criteria provided, single submitter. Criteria: Ambry Variant Classification Scheme 2023. Collection method: clinical testing. Allele origin: germline.
Comment: The c.3769-6_3769-5delTT intronic variant is located 5 nucleotides upstream from coding exon 20 in the SCN9A gene. This variant results from a deletion of two nucleotides at positions c.3769-6 to c.3769-5. This nucleotide region is well conserved in available vertebrate species. In silico splice site analysis predicts that this alteration will weaken the native splice acceptor site. Since supporting evidence is limited at this time, the clinical significance of this alteration remains unclear.